The following is an entry in ClinVar:

ClinVar aggregate classification (germline): Uncertain significance (1 of 4 stars; one submission).

Conditions:
Cerebral creatine deficiency syndrome. Also called: Creatine deficiency syndromes. Identifiers: Orphanet 79172, MedGen C5244016, MONDO:0000456.

Allele frequency attached by ClinVar (database versions not stated): gnomAD exomes 0.00001; ExAC 0.00002; gnomAD 0.00003; 1000 Genomes Project 30x 0.00031; 1000 Genomes Project 0.00040.

Submission:

Labcorp Genetics (formerly Invitae), Labcorp
Classification: Uncertain significance for Cerebral creatine deficiency syndrome. Last evaluated: 2022-06-03. Review status: criteria provided, single submitter. Criteria: Invitae Variant Classification Sherloc (09022015). Collection method: clinical testing. Allele origin: germline.
Comment: This sequence change replaces asparagine, which is neutral and polar, with serine, which is neutral and polar, at codon 150 of the GAMT protein (p.Asn150Ser). This variant is present in population databases (rs201528279, gnomAD 0.007%). This variant has not been reported in the literature in individuals affected with GAMT-related conditions. Algorithms developed to predict the effect of missense changes on protein structure and function output the following: SIFT: "Tolerated"; PolyPhen-2: "Benign"; Align-GVGD: "Class C0". The serine amino acid residue is found in multiple mammalian species, which suggests that this missense change does not adversely affect protein function. In summary, the available evidence is currently insufficient to determine the role of this variant in disease. Therefore, it has been classified as a Variant of Uncertain Significance.

NM_000156.6(GAMT):c.449A>G (p.Asn150Ser)

Gene: GAMT (guanidinoacetate N-methyltransferase; minus strand). Cytogenetic location: 19p13.3.
Variant type: single nucleotide variant.
Coding change: c.449A>G on transcript NM_000156.6 (MANE Select); coding-DNA position 449, A replaced by G.
Protein change: p.Asn150Ser; replaces asparagine 150 with serine.
Molecular consequence: missense variant.
Genome position (GRCh38, 1-based): chr19:1,399,138, T>C on the plus strand (A>G on the coding strand, the complement: GAMT is on the minus strand). VCF-style: chr19-1399138-T-C. GRCh37 (hg19) VCF-style: chr19-1399137-T-C.
Other names: c.449A>G, p.Asn150Ser (NM_138924.3); short protein forms N150S.
Identifiers: ClinVar variation 2066559 (VCV002066559.1), dbSNP rs201528279, ClinGen allele CA9043659.